The following is an entry in ClinVar:

NM_000093.5(COL5A1):c.367C>G (p.Gln123Glu)

Gene: COL5A1 (collagen type V alpha 1 chain; plus strand). Cytogenetic location: 9q34.3.
Variant type: single nucleotide variant.
Coding change: c.367C>G on transcript NM_000093.5 (MANE Select); coding-DNA position 367, C replaced by G.
Protein change: p.Gln123Glu; replaces glutamine 123 with glutamic acid.
Molecular consequence: missense variant.
Genome position (GRCh38, 1-based): chr9:134,699,998, C>G. VCF-style: chr9-134699998-C-G. GRCh37 (hg19) VCF-style: chr9-137591844-C-G.
Other names: p.Q123E:CAG>GAG; p.Gln123Glu; c.367C>G, p.Gln123Glu (NM_001278074.1); short protein forms Q123E.
Identifiers: ClinVar variation 213011 (VCV000213011.71), dbSNP rs142114921, ClinGen allele CA321993.

ClinVar aggregate classification (germline): Conflicting classifications of pathogenicity. Review status: criteria provided, conflicting classifications (1 of 4 stars). 13 submissions from 13 submitters: Uncertain significance (4); Likely benign (9). Last evaluated 2026-07-27.

Conditions:
Ehlers-Danlos syndrome, classic type, 1 (EDSCL1). Also called: EHLERS-DANLOS SYNDROME, GRAVIS TYPE; EHLERS-DANLOS SYNDROME, SEVERE CLASSIC TYPE; Ehlers-Danlos syndrome, type 1; Ehlers-Danlos Syndrome, Classic Type, COL5A1-Related; EDS I. Identifiers: MedGen C0268335, MONDO:0019567, OMIM 130000.
Ehlers-Danlos syndrome (EDS). Identifiers: Orphanet 98249, MedGen C0013720, MONDO:0020066.
Ehlers-Danlos syndrome, classic type (cEDS). Identifiers: Orphanet 287, MedGen C4225429, MONDO:0007522.
COL5A1-related disorder. Also called: COL5A1-related condition.
Familial thoracic aortic aneurysm and aortic dissection (TAAD). Also called: Thoracic aortic aneurysms and dissections. Identifiers: Orphanet 91387, MedGen C4707243, MONDO:0019625.

Allele frequency attached by ClinVar (database versions not stated): ExAC 0.00017; gnomAD exomes 0.00021 and 0.00044; ESP Exome Variant Server 0.00023; TOPMed 0.00027; gnomAD 0.00029 and 0.00031.
gnomAD v4.1: 665 of 1,613,732 alleles (0.041%); highest among the groups gnomAD compares: Non-Finnish European, 0.054%; 1 homozygote.

Submissions (13):

GeneDx
Classification: Uncertain significance. Last evaluated: 2026-07-27. Review status: criteria provided, single submitter. Criteria: GeneDx Variant Classification Process June 2021. Collection method: clinical testing. Allele origin: germline.
Comment: Reported in association with familial thoracic aortic aneurysm, EDS, and multifocal fibromuscular dysplasia (mFMD) in published literature (PMID: 26854089, 30858776, 32938213, 36043395); In silico analysis suggests that this missense variant does not alter protein structure/function; Not located in the triple helical region, where the majority of pathogenic missense variants occur (PMID: 22696272; HGMD); This variant is associated with the following publications: (PMID: 30858776, 33161638, 29924831, 32938213, 26854089, 35723357, 36043395, 22696272)

CeGaT Center for Human Genetics Tuebingen
Classification: Likely benign. Last evaluated: 2026-05-01. Review status: criteria provided, single submitter. Criteria: CeGaT Center For Human Genetics Tuebingen Variant Classification Criteria Version 2. Collection method: clinical testing. Allele origin: germline. Affected: yes. Observed: 3 variant alleles.
Comment: COL5A1: BP4, BS2

Labcorp Genetics (formerly Invitae), Labcorp
Classification: Likely benign for Ehlers-Danlos syndrome, classic type, 1. Last evaluated: 2026-01-18. Review status: criteria provided, single submitter. Criteria: Invitae Variant Classification Sherloc (09022015). Collection method: clinical testing. Allele origin: germline.

Molecular Diagnostic Laboratory for Inherited Cardiovascular Disease, Montreal Heart Institute
Classification: Likely benign. Last evaluated: 2025-07-24. Review status: criteria provided, single submitter. Criteria: ACMG Guidelines, 2015. Collection method: clinical testing. Allele origin: germline. Affected: no.
Comment: BS1;BP4

Women's Health and Genetics/Laboratory Corporation of America, LabCorp
Classification: Likely benign. Last evaluated: 2025-05-05. Review status: criteria provided, single submitter. Criteria: LabCorp Variant Classification Summary - May 2015. Collection method: clinical testing. Allele origin: germline.
Comment: Variant summary: COL5A1 c.367C>G (p.Gln123Glu) results in a conservative amino acid change in the encoded protein sequence. Algorithms developed to predict the effect of missense changes on protein structure and function are either unavailable or do not agree on the potential impact of this missense change. The variant allele was found at a frequency of 0.00021 in 251254 control chromosomes. The observed variant frequency is approximately 7 fold of the estimated maximal expected allele frequency for a pathogenic variant in COL5A1 causing Ehlers-Danlos syndrome, classic type, Ehlers-Danlos syndrome, classic type, 1 phenotype (3.1e-05). To our knowledge, no experimental evidence demonstrating its impact on protein function has been reported. ClinVar contains an entry for this variant (Variation ID: 213011). Based on the evidence outlined above, the variant was classified as likely benign.

Mayo Clinic Laboratories, Mayo Clinic
Classification: Likely benign. Last evaluated: 2025-01-20. Review status: criteria provided, single submitter. Criteria: ACMG Guidelines, 2015. Collection method: clinical testing. Allele origin: germline. Observed: 5 variant alleles.
Comment: BS1, BP4

Blueprint Genetics
Classification: Likely benign. Last evaluated: 2024-11-06. Review status: criteria provided, single submitter. Criteria: ACMG Guidelines, 2015. Collection method: clinical testing. Allele origin: germline.

PreventionGenetics, part of Exact Sciences
Classification: Likely benign for COL5A1-related condition. Last evaluated: 2024-11-06. Review status: criteria provided, single submitter. Criteria: ACMG Guidelines, 2015. Collection method: clinical testing. Allele origin: germline.
Comment: This variant is classified as likely benign based on ACMG/AMP sequence variant interpretation guidelines (Richards et al. 2015 PMID: 25741868, with internal and published modifications).

ARUP Laboratories, Molecular Genetics and Genomics, ARUP Laboratories
Classification: Uncertain significance. Last evaluated: 2023-11-05. Review status: criteria provided, single submitter. Criteria: ARUP Molecular Germline Variant Investigation Process 2024. Collection method: clinical testing. Allele origin: germline.
Comment: The COL5A1 c.367C>G; p.Gln123Glu variant (rs142114921) is reported in the literature in individuals with Ehlers-Danlos syndrome, fibromuscular dysplasia, a bleeding disorder, or thoracic aortic aneurysm, however clear disease association was not established (Fager 2021, Junkiert-Czarnecka 2019, Richer 2020, Schubert 2016). This variant is also reported in ClinVar (Variation ID: 213011) and is found in the general population with an overall allele frequency of 0.02% (61/282662 alleles) in the Genome Aggregation Database. Computational analyses are uncertain whether this variant is neutral or deleterious (REVEL: 0.221). Given the lack of clinical and functional data, the significance of this variant is uncertain at this time. References: Fager Ferrari M et al. Collagen remodelling and plasma ascorbic acid levels in patients suspected of inherited bleeding disorders harbouring germline variants in collagen-related genes. Haemophilia. 2021 Jan;27(1):e69-e77. PMID: 33161638. Junkiert-Czarnecka A et al. New variants in COL5A1 gene among Polish patients with Ehlers-Danlos syndrome: analysis of nine cases. Postepy Dermatol Alergol. 2019 Feb;36(1):29-33. PMID: 30858776. Richer J et al. A Novel Recurrent COL5A1 Genetic Variant Is Associated With a Dysplasia-Associated Arterial Disease Exhibiting Dissections and Fibromuscular Dysplasia. Arterioscler Thromb Vasc Biol. 2020 Nov;40(11):2686-2699. PMID: 32938213. Schubert JA et al. Clinically relevant variants identified in thoracic aortic aneurysm patients by research exome sequencing. Am J Med Genet A. 2016 May;170A(5):1288-94. PMID: 26854089.

Genome Diagnostics Laboratory, The Hospital for Sick Children
Classification: Uncertain significance for Ehlers-Danlos syndrome. Last evaluated: 2021-07-22. Review status: criteria provided, single submitter. Criteria: ACMG Guidelines, 2015. Collection method: clinical testing. Allele origin: germline.

Ambry Genetics
Classification: Likely benign for Familial thoracic aortic aneurysm and aortic dissection. Last evaluated: 2019-12-10. Review status: criteria provided, single submitter. Criteria: Ambry Variant Classification Scheme 2023. Collection method: clinical testing. Allele origin: germline.

Fulgent Genetics
Classification: Uncertain significance for Ehlers-Danlos syndrome, classic type, 1. Last evaluated: 2018-10-31. Review status: criteria provided, single submitter. Criteria: ACMG Guidelines, 2015. Collection method: clinical testing. Allele origin: unknown.

Illumina Laboratory Services, Illumina
Classification: Likely benign for Ehlers-Danlos syndrome, classic type, 1. Last evaluated: 2018-01-12. Review status: criteria provided, single submitter. Criteria: ICSL Variant Classification Criteria 13 December 2019. Collection method: clinical testing. Allele origin: germline.
Comment: This variant was observed in the ICSL laboratory as part of a predisposition screen in an ostensibly healthy population. It had not been previously curated by ICSL or reported in the Human Gene Mutation Database (HGMD: prior to June 1st, 2018), and was therefore a candidate for classification through an automated scoring system. Utilizing variant allele frequency, disease prevalence and penetrance estimates, and inheritance mode, an automated score was calculated to assess if this variant is too frequent to cause the disease. Based on the score and internal cut-off values, a variant classified as likely benign is not then subjected to further curation. The score for this variant resulted in a classification of likely benign for this disease.

Literature cited by the submitters: PubMed 26854089 (cited by Mayo Clinic Laboratories, Mayo Clinic and Ambry Genetics); PubMed 29924831 (cited by Mayo Clinic Laboratories, Mayo Clinic and Ambry Genetics); PubMed 30858776 (cited by Mayo Clinic Laboratories, Mayo Clinic and Ambry Genetics); PubMed 35723357 (cited by Mayo Clinic Laboratories, Mayo Clinic).